The following is an entry in ClinVar:

ClinVar aggregate classification (germline): Likely benign (0 of 4 stars; one submission).

Conditions:
HNF1A-related disorder. Also called: HNF1A-related condition.

Allele frequency attached by ClinVar (database versions not stated): gnomAD exomes below 0.00001.
gnomAD v4.1: 2 of 1,614,074 alleles (0.00012%); highest among the groups gnomAD compares: East Asian, 0.0022%; no homozygotes.

Submission:

PreventionGenetics, part of Exact Sciences
Classification: Likely benign for HNF1A-related condition. Last evaluated: 2019-04-02. Review status: no assertion criteria provided. Collection method: clinical testing. Allele origin: germline.
Comment: This variant is classified as likely benign based on ACMG/AMP sequence variant interpretation guidelines (Richards et al. 2015 PMID: 25741868, with internal and published modifications).

NM_000545.8(HNF1A):c.1156C>T (p.Leu386=)

Gene: HNF1A (HNF1 homeobox A; plus strand). Cytogenetic location: 12q24.31.
Variant type: single nucleotide variant.
Coding change: c.1156C>T on transcript NM_000545.8 (MANE Select); coding-DNA position 1156, C replaced by T.
Protein change: p.Leu386=; no amino-acid change (leucine 386 retained).
Molecular consequence: synonymous variant.
Genome position (GRCh38, 1-based): chr12:120,996,589, C>T. VCF-style: chr12-120996589-C-T. GRCh37 (hg19) VCF-style: chr12-121434392-C-T.
Other names: c.1156C>T, p.Leu386= (NM_001306179.2, NM_001406915.1).
Identifiers: ClinVar variation 3057319 (VCV003057319.2), dbSNP rs1877114403, ClinGen allele CA482164682.